The following is an entry in ClinVar:

ClinVar aggregate classification (germline): Uncertain significance (1 of 4 stars; one submission).

Conditions:
Ataxia-telangiectasia syndrome (AT). Also called: AT, COMPLEMENTATION GROUP C; Ataxia telangiectasia (A-T); Ataxia-telangiectasia, complementation group D; Ataxia-telangiectasia, complementation group E; LOUIS-BAR SYNDROME; ATAXIA-TELANGIECTASIA, COMPLEMENTATION GROUP A. Identifiers: Orphanet 100, MedGen C0004135, MONDO:0008840, OMIM 208900.

Submission:

Labcorp Genetics (formerly Invitae), Labcorp
Classification: Uncertain significance for Ataxia-telangiectasia syndrome. Last evaluated: 2023-06-16. Review status: criteria provided, single submitter. Criteria: Invitae Variant Classification Sherloc (09022015). Collection method: clinical testing. Allele origin: germline.
Comment: This variant has not been reported in the literature in individuals affected with ATM-related conditions. An algorithm developed to predict the effect of missense changes on protein structure and function (PolyPhen-2) suggests that this variant is likely to be disruptive. In summary, the available evidence is currently insufficient to determine the role of this variant in disease. Therefore, it has been classified as a Variant of Uncertain Significance. This variant is not present in population databases (gnomAD no frequency). This sequence change replaces arginine, which is basic and polar, with threonine, which is neutral and polar, at codon 1437 of the ATM protein (p.Arg1437Thr).

NM_000051.4(ATM):c.4310G>C (p.Arg1437Thr)

Gene: ATM (ATM serine/threonine kinase; plus strand). Cytogenetic location: 11q22.3.
Variant type: single nucleotide variant.
Coding change: c.4310G>C on transcript NM_000051.4 (MANE Select); coding-DNA position 4310, G replaced by C.
Protein change: p.Arg1437Thr; replaces arginine 1437 with threonine.
Molecular consequence: missense variant.
Genome position (GRCh38, 1-based): chr11:108,289,675, G>C. VCF-style: chr11-108289675-G-C. GRCh37 (hg19) VCF-style: chr11-108160402-G-C.
Other names: c.4310G>C, p.Arg1437Thr (NM_001351834.2); short protein forms R1437T.
Identifiers: ClinVar variation 2717349 (VCV002717349.3), dbSNP rs1227046364, ClinGen allele CA382531709.